The following is an entry in ClinVar:

NM_000268.4(NF2):c.593G>A (p.Arg198Gln)

Gene: NF2 (NF2, moesin-ezrin-radixin like (MERLIN) tumor suppressor; plus strand). Cytogenetic location: 22q12.2.
Variant type: single nucleotide variant.
Coding change: c.593G>A on transcript NM_000268.4 (MANE Select); coding-DNA position 593, G replaced by A.
Protein change: p.Arg198Gln; replaces arginine 198 with glutamine.
Molecular consequence: missense variant. On other transcripts: non-coding transcript variant (1), intron variant (1).
Genome position (GRCh38, 1-based): chr22:29,655,670, G>A. VCF-style: chr22-29655670-G-A. GRCh37 (hg19) VCF-style: chr22-30051659-G-A.
Other names: c.593G>A, p.Arg198Gln (NM_016418.5, NM_181825.3, NM_181832.3); c.467G>A, p.Arg156Gln (NM_181828.3); c.470G>A, p.Arg157Gln (NM_181829.3); c.344G>A, p.Arg115Gln (NM_181830.3, NM_181831.3); c.447+13385G>A (NM_181833.3); short protein forms R115Q, R157Q, R156Q, R198Q.
Identifiers: ClinVar variation 1525314 (VCV001525314.12), dbSNP rs2146973900, ClinGen allele CA411142710.

ClinVar aggregate classification (germline): Uncertain significance. Review status: criteria provided, multiple submitters, no conflicts (2 of 4 stars). 3 submissions from 3 submitters: Uncertain significance (3). Last evaluated 2025-02-14.

Conditions:
Hereditary cancer-predisposing syndrome. Also called: Neoplastic Syndromes, Hereditary; Hereditary Cancer Syndrome; Hereditary neoplastic syndrome; Tumor predisposition. Identifiers: Orphanet 140162, MedGen C0027672, MeSH D009386, MONDO:0015356.
Familial meningioma. Also called: Meningioma, familial, susceptibility to. Identifiers: Orphanet 263662, MedGen C3551915, MONDO:0011789, OMIM 607174.
Neurofibromatosis, type 2 (SWNV). Also called: SCHWANNOMATOSIS, VESTIBULAR; BILATERAL ACOUSTIC NEUROFIBROMATOSIS; NF2-Related Schwannomatosis. Identifiers: Orphanet 637, MedGen C0027832, MONDO:0007039, OMIM 101000. Disease mechanism: loss of function.

Allele frequency attached by ClinVar (database versions not stated): gnomAD exomes below 0.00001.
gnomAD v4.1: 5 of 1,612,602 alleles (0.00031%); highest among the groups gnomAD compares: Non-Finnish European, 0.00042%; no homozygotes.

Submissions (3):

Ambry Genetics
Classification: Uncertain significance for Hereditary cancer-predisposing syndrome. Last evaluated: 2025-02-14. Review status: criteria provided, single submitter. Criteria: Ambry Variant Classification Scheme 2023. Collection method: clinical testing. Allele origin: germline.
Comment: The p.R198Q variant (also known as c.593G>A), located in coding exon 6 of the NF2 gene, results from a G to A substitution at nucleotide position 593. The arginine at codon 198 is replaced by glutamine, an amino acid with highly similar properties. This amino acid position is well conserved in available vertebrate species. In addition, this alteration is predicted to be tolerated by in silico analysis. Since supporting evidence is limited at this time, the clinical significance of this alteration remains unclear.

Labcorp Genetics (formerly Invitae), Labcorp
Classification: Uncertain significance for Neurofibromatosis, type 2. Last evaluated: 2024-07-18. Review status: criteria provided, single submitter. Criteria: Invitae Variant Classification Sherloc (09022015). Collection method: clinical testing. Allele origin: germline.
Comment: This sequence change replaces arginine, which is basic and polar, with glutamine, which is neutral and polar, at codon 198 of the NF2 protein (p.Arg198Gln). This variant is not present in population databases (gnomAD no frequency). This variant has not been reported in the literature in individuals affected with NF2-related conditions. ClinVar contains an entry for this variant (Variation ID: 1525314). Advanced modeling of protein sequence and biophysical properties (such as structural, functional, and spatial information, amino acid conservation, physicochemical variation, residue mobility, and thermodynamic stability) performed at Invitae indicates that this missense variant is not expected to disrupt NF2 protein function with a negative predictive value of 80%. In summary, the available evidence is currently insufficient to determine the role of this variant in disease. Therefore, it has been classified as a Variant of Uncertain Significance.

Baylor Genetics
Classification: Uncertain significance for Familial meningioma. Last evaluated: 2023-10-09. Review status: criteria provided, single submitter. Criteria: ACMG Guidelines, 2015. Collection method: clinical testing. Allele origin: unknown.